The following is an entry in ClinVar:

ClinVar aggregate classification (germline): Uncertain significance (1 of 4 stars; one submission).

Conditions:
Menkes kinky-hair syndrome (MNK). Also called: Classic Menkes Disease; Copper transport disease; Menkes Disease. Identifiers: Orphanet 565, MedGen C0022716, MONDO:0010651, OMIM 309400.
X-linked distal spinal muscular atrophy type 3. Also called: NEURONOPATHY, DISTAL HEREDITARY MOTOR, X-LINKED; NEUROPATHY, DISTAL HEREDITARY MOTOR, X-LINKED; ATP7A-Related Distal Motor Neuropathy; SPINAL MUSCULAR ATROPHY, DISTAL, X-LINKED RECESSIVE. Identifiers: Orphanet 139557, MedGen C1845359, MONDO:0010338, OMIM 300489.
Cutis laxa, X-linked (OHS). Also called: EDS IX; Occipital horn syndrome. Identifiers: Orphanet 198, MedGen C0268353, MONDO:0010572, OMIM 304150.

Submission:

Labcorp Genetics (formerly Invitae), Labcorp
Classification: Uncertain significance for X-linked distal spinal muscular atrophy type 3; Cutis laxa, X-linked; Menkes kinky-hair syndrome. Last evaluated: 2024-11-30. Review status: criteria provided, single submitter. Criteria: Invitae Variant Classification Sherloc (09022015). Collection method: clinical testing. Allele origin: germline.
Comment: This sequence change replaces aspartic acid, which is acidic and polar, with glycine, which is neutral and non-polar, at codon 79 of the ATP7A protein (p.Asp79Gly). This variant is not present in population databases (gnomAD no frequency). This variant has not been reported in the literature in individuals affected with ATP7A-related conditions. ClinVar contains an entry for this variant (Variation ID: 1967001). Invitae Evidence Modeling of protein sequence and biophysical properties (such as structural, functional, and spatial information, amino acid conservation, physicochemical variation, residue mobility, and thermodynamic stability) indicates that this missense variant is not expected to disrupt ATP7A protein function with a negative predictive value of 95%. In summary, the available evidence is currently insufficient to determine the role of this variant in disease. Therefore, it has been classified as a Variant of Uncertain Significance.

NM_000052.7(ATP7A):c.236A>G (p.Asp79Gly)

Gene: ATP7A (ATPase copper transporting alpha; plus strand). Cytogenetic location: Xq21.1.
Variant type: single nucleotide variant.
Coding change: c.236A>G on transcript NM_000052.7 (MANE Select); coding-DNA position 236, A replaced by G.
Protein change: p.Asp79Gly; replaces aspartic acid 79 with glycine.
Molecular consequence: missense variant.
Genome position (GRCh38, 1-based): chrX:77,988,357, A>G. VCF-style: chrX-77988357-A-G. GRCh37 (hg19) VCF-style: chrX-77243853-A-G.
Other names: c.236A>G, p.Asp79Gly (NM_001282224.2); short protein forms D79G.
Identifiers: ClinVar variation 1967001 (VCV001967001.5), dbSNP rs2522289170, ClinGen allele CA413599137.
Genomic context (GRCh38, chrX:77,988,357, plus strand): 5'-CAAAGACCCTACAGGAAGCTATTGATGACATGGGCTTTGATGCTGTTATCCATAATCCTG[A>G]CCCTCTCCCTGTTTTAACTGACACCTTGTTTCTGACTGTTACGGCGTCACTGACTTTGCC-3'
Protein context (NP_000043.4, residues 69-89): MGFDAVIHNP[Asp79Gly]PLPVLTDTLF